The following is an entry in ClinVar:

ClinVar aggregate classification (germline): Uncertain significance. Review status: criteria provided, multiple submitters, no conflicts (2 of 4 stars). 3 submissions from 3 submitters: Uncertain significance (3). Last evaluated 2025-08-09.

Conditions:
Syndromic X-linked intellectual disability Najm type (MICPCH). Also called: MICPCH SYNDROME; Mental retardation and microcephaly with pontine and cerebellar hypoplasia; MENTAL RETARDATION, X-LINKED, SYNDROMIC, NAJM TYPE; Intellectual Disability and Microcephaly with Pontine and Cerebellar Hypoplasia; Intellectual Disability and Microcephaly with Pontine and Cerebellar Hypoplasia (MICPCH); Intellectual developmental disorder and microcephaly with pontine and cerebellar hypoplasia. Identifiers: Orphanet 163937, MedGen C2677903, MONDO:0010417, OMIM 300749.

Submissions (3):

GeneDx
Classification: Uncertain significance. Last evaluated: 2025-08-09. Review status: criteria provided, single submitter. Criteria: GeneDx Variant Classification Process June 2021. Collection method: clinical testing. Allele origin: germline. Affected: yes.
Comment: Not observed at significant frequency in large population cohorts (gnomAD); In silico analysis supports that this missense variant has a deleterious effect on protein structure/function; Has not been previously published as pathogenic or benign to our knowledge

MVZ Medizinische Genetik Mainz
Classification: Uncertain significance for Syndromic X-linked intellectual disability Najm type. Last evaluated: 2024-05-15. Review status: criteria provided, single submitter. Criteria: UK Practice Guidelines For Variant Classification V4 01 2020. Collection method: clinical testing. Allele origin: germline. Inheritance: Unknown mechanism. Affected: yes. Observed: 1 variant allele.
Comment: ACMG Criteria: PM2_SUP,PP2

Blueprint Genetics
Classification: Uncertain significance. Last evaluated: 2024-02-22. Review status: criteria provided, single submitter. Criteria: ACMG Guidelines, 2015. Collection method: clinical testing. Allele origin: germline.

NM_001367721.1(CASK):c.535C>T (p.Arg179Cys)

Gene: CASK (calcium/calmodulin dependent serine protein kinase; minus strand). Cytogenetic location: Xp11.4.
Variant type: single nucleotide variant.
Coding change: c.535C>T on transcript NM_001367721.1 (MANE Select); coding-DNA position 535, C replaced by T.
Protein change: p.Arg179Cys; replaces arginine 179 with cysteine.
Molecular consequence: missense variant.
Genome position (GRCh38, 1-based): chrX:41,665,450, G>A on the plus strand (C>T on the coding strand, the complement: CASK is on the minus strand). VCF-style: chrX-41665450-G-A. GRCh37 (hg19) VCF-style: chrX-41524703-G-A.
Other names: c.535C>T, p.Arg179Cys (NM_001126054.3, NM_001126055.3, NM_001410745.1 and 1 more transcripts); c.535C>T (NM_003688.3); short protein forms R179C.
Identifiers: ClinVar variation 4526554 (VCV004526554.3).